The following is an entry in ClinVar:

NM_001385641.1(SAMD11):c.1937G>A (p.Gly646Glu)

Gene: SAMD11 (sterile alpha motif domain containing 11; plus strand). Cytogenetic location: 1p36.33.
Variant type: single nucleotide variant.
Coding change: c.1937G>A on transcript NM_001385641.1 (MANE Select); coding-DNA position 1937, G replaced by A.
Protein change: p.Gly646Glu; replaces glycine 646 with glutamic acid.
Molecular consequence: missense variant.
Genome position (GRCh38, 1-based): chr1:942,942, G>A. VCF-style: chr1-942942-G-A. GRCh37 (hg19) VCF-style: chr1-878322-G-A.
Other names: c.1940G>A, p.Gly647Glu (NM_001385640.1); c.1448G>A, p.Gly483Glu (NM_152486.4); short protein forms G647E, G483E, G646E.
Identifiers: ClinVar variation 1036325 (VCV001036325.9), dbSNP rs373433015, ClinGen allele CA503029.

ClinVar aggregate classification (germline): Uncertain significance (1 of 4 stars; one submission).

Allele frequency attached by ClinVar (database versions not stated): gnomAD 0.00001; gnomAD exomes 0.00001 and 0.00002; ExAC 0.00007; 1000 Genomes Project 30x 0.00016; 1000 Genomes Project 0.00020.
gnomAD v4.1: 7 of 1,550,434 alleles (0.00045%); highest among the groups gnomAD compares: South Asian, 0.0036%; no homozygotes.

Submission:

Labcorp Genetics (formerly Invitae), Labcorp
Classification: Uncertain significance. Last evaluated: 2020-06-02. Review status: criteria provided, single submitter. Criteria: Invitae Variant Classification Sherloc (09022015). Collection method: clinical testing. Allele origin: germline.
Comment: In summary, the available evidence is currently insufficient to determine the role of this variant in disease. Therefore, it has been classified as a Variant of Uncertain Significance. Algorithms developed to predict the effect of missense changes on protein structure and function output the following: SIFT: "Tolerated"; PolyPhen-2: "Benign"; Align-GVGD: "Class C0". The glutamic acid amino acid residue is found in multiple mammalian species, suggesting that this missense change does not adversely affect protein function. These predictions have not been confirmed by published functional studies and their clinical significance is uncertain. This variant has not been reported in the literature in individuals with SAMD11-related conditions. While this variant is present in population databases (rs373433015), the frequency information is unreliable, as metrics indicate poor data quality at this position in the ExAC database. This sequence change replaces glycine with glutamic acid at codon 483 of the SAMD11 protein (p.Gly483Glu). The glycine residue is moderately conserved and there is a moderate physicochemical difference between glycine and glutamic acid.